The following is an entry in ClinVar:

ClinVar aggregate classification (germline): Likely pathogenic (1 of 4 stars; one submission).

Conditions:
Sucrase-isomaltase deficiency (CSID). Also called: Congenital sucrose isomaltose malabsorption; Sucrose isomaltose enzyme deficiency; Deficiency of isomaltase; SI DEFICIENCY. Identifiers: Orphanet 35122, MedGen C1283620, MONDO:0009114, OMIM 222900.

Submission:

Laboratory for Molecular Medicine, Mass General Brigham Personalized Medicine
Classification: Likely pathogenic for Sucrase-isomaltase deficiency. Last evaluated: 2017-06-29. Review status: criteria provided, single submitter. Criteria: LMM Criteria. Collection method: clinical testing. Allele origin: germline. Inheritance: Autosomal recessive inheritance. Observed: 1 variant allele.
Comment: The c.2159+2T>G (NM_001041.3, p.?) variant in SI has not been previously reporte d in the literature and was absent from large population studies. This variant o ccurs in the invariant region (+/- 1,2) of the splice consensus sequence and is predicted to cause altered splicing leading to an abnormal or absent protein. Bi allelic loss of function of the SI gene has been associated with sucrase isomalt ase deficiency. In summary, although additional studies are required to fully es tablish a null effect on the protein, the c.2159+2T>G variant in the SI gene is likely pathogenic for congenital sucrase isomaltase deficiency in an autosomal r ecessive manner based on its predicted impact on the protein.

NM_001041.4(SI):c.2159+2T>G

Gene: SI (sucrase-isomaltase; minus strand). Cytogenetic location: 3q26.1.
Variant type: single nucleotide variant.
Coding change: c.2159+2T>G on transcript NM_001041.4 (MANE Select); the canonical splice donor site of the intron after coding-DNA position 2159, T replaced by G.
Molecular consequence: splice donor variant.
Genome position (GRCh38, 1-based): chr3:165,040,938, A>C on the plus strand (T>G on the coding strand, the complement: SI is on the minus strand). VCF-style: chr3-165040938-A-C. GRCh37 (hg19) VCF-style: chr3-164758726-A-C.
Identifiers: ClinVar variation 517436 (VCV000517436.5), dbSNP rs1553775177, ClinGen allele CA355050215.